The following is an entry in ClinVar:

NM_000360.4(TH):c.487+3G>A

Gene: TH (tyrosine hydroxylase; minus strand). Cytogenetic location: 11p15.5.
Variant type: single nucleotide variant.
Coding change: c.487+3G>A on transcript NM_000360.4 (MANE Select); 3 bases into the intron after coding-DNA position 487, G replaced by A.
Molecular consequence: intron variant.
Genome position (GRCh38, 1-based): chr11:2,168,488, C>T on the plus strand (G>A on the coding strand, the complement: TH is on the minus strand). VCF-style: chr11-2168488-C-T. GRCh37 (hg19) VCF-style: chr11-2189718-C-T.
Other names: p.?; c.568+3G>A (NM_199293.3); c.580+3G>A (NM_199292.3).
Identifiers: ClinVar variation 242254 (VCV000242254.50), dbSNP rs11042950, ClinGen allele CA5818644.
Genomic context (GRCh38, chr11:2,168,488, plus strand): 5'-AGCCCCTGCACCCCAGCCTCTCAAGGTCATTTGGTGGCCCTCAAGGACAGAAAACCGCCT[C>T]ACCCTTGGGCCCCGCGGGGCTGCGCACGTCCTCTGACACCTGGCGCACACCACTGAGCAG-3'

ClinVar aggregate classification (germline): Benign. Review status: criteria provided, multiple submitters, no conflicts (2 of 4 stars). 9 submissions from 9 submitters: Benign (8). 1 of the submissions does not count toward it. Last evaluated 2026-10-01.

Conditions:
TH-related disorder. Also called: TH-related condition.
TH-deficient dopa-responsive dystonia. Also called: DYT-TH; Segawa syndrome, autosomal recessive; Tyrosine Hydroxylase-Deficient Dopa-Responsive Dystonia. Identifiers: Orphanet 101150, MedGen C2673535, MONDO:0011551, OMIM 605407.

Allele frequency attached by ClinVar (database versions not stated): 1000 Genomes Project 0.00539; 1000 Genomes Project 30x 0.00578; ESP Exome Variant Server 0.00753; TOPMed 0.00777; gnomAD 0.00795 and 0.00813; gnomAD exomes 0.00946 and 0.01013; ExAC 0.01061.
gnomAD v4.1: 15,994 of 1,612,286 alleles (0.99%); highest among the groups gnomAD compares: Middle Eastern, 1.6%; 124 homozygotes.

Submissions (9):

CeGaT Center for Human Genetics Tuebingen
Classification: Benign. Last evaluated: 2026-10-01. Review status: criteria provided, single submitter. Criteria: CeGaT Center For Human Genetics Tuebingen Variant Classification Criteria Version 2. Collection method: clinical testing. Allele origin: germline. Affected: yes. Observed: 55 variant alleles.
Comment: TH: BP4, BS1, BS2

Labcorp Genetics (formerly Invitae), Labcorp
Classification: Benign for TH-deficient dopa-responsive dystonia. Last evaluated: 2026-02-03. Review status: criteria provided, single submitter. Criteria: Invitae Variant Classification Sherloc (09022015). Collection method: clinical testing. Allele origin: germline.

Mayo Clinic Laboratories, Mayo Clinic
Classification: Benign. Last evaluated: 2025-09-19. Review status: criteria provided, single submitter. Criteria: ACMG Guidelines, 2015. Collection method: clinical testing. Allele origin: germline. Observed: 19 variant alleles.
Comment: BS1, BS2, BP4, BP7

Genome-Nilou Lab
Classification: Benign for TH-deficient dopa-responsive dystonia. Last evaluated: 2021-07-10. Review status: criteria provided, single submitter. Criteria: ACMG Guidelines, 2015. Collection method: clinical testing. Allele origin: germline. Affected: no.

GeneDx
Classification: Benign. Last evaluated: 2018-04-20. Review status: criteria provided, single submitter. Criteria: GeneDx Variant Classification (06012015). Collection method: clinical testing. Allele origin: germline. Affected: yes.
Comment: This variant is considered likely benign or benign based on one or more of the following criteria: it is a conservative change, it occurs at a poorly conserved position in the protein, it is predicted to be benign by multiple in silico algorithms, and/or has population frequency not consistent with disease.

Athena Diagnostics
Classification: Benign. Last evaluated: 2017-08-10. Review status: criteria provided, single submitter. Criteria: Athena Diagnostics Criteria. Collection method: clinical testing. Allele origin: germline.

Illumina Laboratory Services, Illumina
Classification: Benign for TH-deficient dopa-responsive dystonia. Last evaluated: 2017-04-27. Review status: criteria provided, single submitter. Criteria: ICSL Variant Classification Criteria 13 December 2019. Collection method: clinical testing. Allele origin: germline.
Comment: This variant was observed as part of a predisposition screen in an ostensibly healthy population. A literature search was performed for the gene, cDNA change, and amino acid change (where applicable). No publications were found based on this search. Allele frequency data from public databases was too high to be consistent with this variant causing disease. Therefore, this variant is classified as benign.

Breakthrough Genomics
Classification: Benign. Review status: criteria provided, single submitter. Criteria: ACMG Guidelines, 2015. Collection method: not provided. Allele origin: germline. Inheritance: Autosomal recessive inheritance. Affected: yes.

PreventionGenetics, part of Exact Sciences
Classification: Benign for TH-related condition. Last evaluated: 2023-04-19. Review status: no assertion criteria provided. Collection method: clinical testing. Allele origin: germline. Not counted in ClinVar's aggregate classification.
Comment: This variant is classified as benign based on ACMG/AMP sequence variant interpretation guidelines (Richards et al. 2015 PMID: 25741868, with internal and published modifications).